The following is an entry in ClinVar:

NM_018089.3(ANKZF1):c.404C>A (p.Ser135Ter)

Gene: ANKZF1 (ankyrin repeat and zinc finger peptidyl tRNA hydrolase 1; plus strand). Cytogenetic location: 2q35.
Variant type: single nucleotide variant.
Coding change: c.404C>A on transcript NM_018089.3 (MANE Select); coding-DNA position 404, C replaced by A.
Protein change: p.Ser135Ter; replaces serine 135 with a stop codon.
Molecular consequence: nonsense. On other transcripts: 5 prime UTR variant (1).
Genome position (GRCh38, 1-based): chr2:219,232,529, C>A. VCF-style: chr2-219232529-C-A. GRCh37 (hg19) VCF-style: chr2-220097251-C-A.
Other names: c.404C>A, p.Ser135Ter (NM_001042410.2); c.-227C>A (NM_001282792.2); short protein forms S135*.
Identifiers: ClinVar variation 3670406 (VCV003670406.2).

ClinVar aggregate classification (germline): Uncertain significance (1 of 4 stars; one submission).

gnomAD v4.1: 22 of 1,614,106 alleles (0.0014%); highest among the groups gnomAD compares: Non-Finnish European, 0.0018%; no homozygotes.

Submission:

Labcorp Genetics (formerly Invitae), Labcorp
Classification: Uncertain significance. Last evaluated: 2025-08-29. Review status: criteria provided, single submitter. Criteria: Invitae Variant Classification Sherloc (09022015). Collection method: clinical testing. Allele origin: germline.
Comment: This sequence change creates a premature translational stop signal (p.Ser135*) in the ANKZF1 gene. It is expected to result in an absent or disrupted protein product. However, the current clinical and genetic evidence is not sufficient to establish whether loss-of-function variants in ANKZF1 cause disease. This variant is present in population databases (rs371981495, gnomAD 0.003%). This variant has not been reported in the literature in individuals affected with ANKZF1-related conditions. ClinVar contains an entry for this variant (Variation ID: 3670406). In summary, the available evidence is currently insufficient to determine the role of this variant in disease. Therefore, it has been classified as a Variant of Uncertain Significance.